The following is an entry in ClinVar:

ClinVar aggregate classification (germline): Conflicting classifications of pathogenicity. Review status: criteria provided, conflicting classifications (1 of 4 stars). 3 submissions from 3 submitters: Uncertain significance (2); Likely benign (1). Last evaluated 2026-03-04.

Conditions:
Inborn genetic diseases. Identifiers: MedGen C0950123, MeSH D030342.
Baller-Gerold syndrome (BGS). Also called: CRANIOSYNOSTOSIS WITH RADIAL DEFECTS. Identifiers: Orphanet 1225, MedGen C0265308, MONDO:0009039, OMIM 218600.

Allele frequency attached by ClinVar (database versions not stated): ExAC 0.00006; TOPMed 0.00001; gnomAD exomes 0.00002; gnomAD 0.00001.
gnomAD v4.1: 27 of 1,605,460 alleles (0.0017%); highest among the groups gnomAD compares: Non-Finnish European, 0.002%; no homozygotes.

Submissions (3):

GeneDx
Classification: Uncertain significance. Last evaluated: 2026-03-04. Review status: criteria provided, single submitter. Criteria: GeneDx Variant Classification Process June 2021. Collection method: clinical testing. Allele origin: germline.
Comment: In silico analysis suggests that this missense variant does not alter protein structure/function; Has not been previously published as pathogenic or benign to our knowledge

Labcorp Genetics (formerly Invitae), Labcorp
Classification: Uncertain significance for Baller-Gerold syndrome. Last evaluated: 2025-11-10. Review status: criteria provided, single submitter. Criteria: Invitae Variant Classification Sherloc (09022015). Collection method: clinical testing. Allele origin: germline.
Comment: This sequence change replaces arginine, which is basic and polar, with histidine, which is basic and polar, at codon 76 of the RECQL4 protein (p.Arg76His). This variant is present in population databases (rs771110626, gnomAD 0.004%). This variant has not been reported in the literature in individuals affected with RECQL4-related conditions. ClinVar contains an entry for this variant (Variation ID: 528988). Invitae Evidence Modeling of protein sequence and biophysical properties (such as structural, functional, and spatial information, amino acid conservation, physicochemical variation, residue mobility, and thermodynamic stability) indicates that this missense variant is not expected to disrupt RECQL4 protein function with a negative predictive value of 80%. In summary, the available evidence is currently insufficient to determine the role of this variant in disease. Therefore, it has been classified as a Variant of Uncertain Significance.

Ambry Genetics
Classification: Likely benign for Inborn genetic diseases. Last evaluated: 2025-02-28. Review status: criteria provided, single submitter. Criteria: Ambry Variant Classification Scheme 2023. Collection method: clinical testing. Allele origin: germline.

NM_004260.4(RECQL4):c.227G>A (p.Arg76His)

Gene: RECQL4 (RecQ like helicase 4; minus strand). Cytogenetic location: 8q24.3.
Variant type: single nucleotide variant.
Coding change: c.227G>A on transcript NM_004260.4 (MANE Select); coding-DNA position 227, G replaced by A.
Protein change: p.Arg76His; replaces arginine 76 with histidine.
Molecular consequence: missense variant.
Genome position (GRCh38, 1-based): chr8:144,517,177, C>T on the plus strand (G>A on the coding strand, the complement: RECQL4 is on the minus strand). VCF-style: chr8-144517177-C-T. GRCh37 (hg19) VCF-style: chr8-145742561-C-T.
Other names: short protein forms R76H.
Identifiers: ClinVar variation 528988 (VCV000528988.9), dbSNP rs771110626, ClinGen allele CA4949415.
Genomic context (GRCh38, chr8:144,517,177, plus strand): 5'-CGCCCTGGCGTAGACTGTGGACTCTTGGTCGCAGCCCGATTCAGATGGGGCCCCCAGCAG[C>T]GGGGCTCTGGCGCCTGCAGGAGACAACAGGGGCACAGGCCAGAAAAGGCTGTTGTGGCGG-3'
Protein context (NP_004251.4, residues 66-86): PAAAEEAPEP[Arg76His]CWGPHLNRAA